The following is an entry in ClinVar:

NC_012920.1(MT-RNR1):m.1406T>C

Gene: MT-RNR1 (mitochondrially encoded 12S RNA; plus strand).
Variant type: single nucleotide variant.
Genome position: chrM-1406-T-C.
Identifiers: ClinVar variation 42218 (VCV000042218.4), dbSNP rs111033322, ClinGen allele CA131004.
Genomic context (GRCh38, chrMT:1,406, plus strand): 5'-AGGTGGCAAGAAATGGGCTACATTTTCTACCCCAGAAAACTACGATAGCCCTTATGAAAC[T>C]TAAGGGTCGAAGGTGGATTTAGCAGTAAACTAAGAGTAGAGTGCTTAGTTGAACAGGGCC-3'

ClinVar aggregate classification (germline): Benign (1 of 4 stars; one submission).

Submission:

Laboratory for Molecular Medicine, Mass General Brigham Personalized Medicine
Classification: Benign. Last evaluated: 2010-08-18. Review status: criteria provided, single submitter. Criteria: LMM Criteria. Collection method: clinical testing. Allele origin: germline. Observed: 8 variant alleles.
Comment: This variant is classified as benign due to an equal frequency in cases and cont rols (Maca-Meyer 2001, Herrnstadt 2002, Mishmar 2003, Palanichamy 2004, Kivisild 2006, Pierson 2006, Konings 2008, Elstner 2008, Rydzanicz 2010, mtDB Online Dat abase).

Literature cited by the submitters: PubMed 18790089; PubMed 16855009; PubMed 15467980; PubMed 16172508; PubMed 12509511; PubMed 11938495; PubMed 11553319; PubMed 18851951; PubMed 20353758.